The following is an entry in ClinVar:

ClinVar aggregate classification (germline): Uncertain significance (1 of 4 stars; one submission).

Submission:

Labcorp Genetics (formerly Invitae), Labcorp
Classification: Uncertain significance. Last evaluated: 2022-10-06. Review status: criteria provided, single submitter. Criteria: Invitae Variant Classification Sherloc (09022015). Collection method: clinical testing. Allele origin: germline.
Comment: This variant, c.1856_1858del, results in the deletion of 1 amino acid(s) of the PIK3C2A protein (p.Ser619del), but otherwise preserves the integrity of the reading frame. This variant is present in population databases (no rsID available, gnomAD 0.0009%). This variant has not been reported in the literature in individuals affected with PIK3C2A-related conditions. Experimental studies and prediction algorithms are not available or were not evaluated, and the functional significance of this variant is currently unknown. In summary, the available evidence is currently insufficient to determine the role of this variant in disease. Therefore, it has been classified as a Variant of Uncertain Significance.

NM_002645.4(PIK3C2A):c.1853CTT[1] (p.Ser619del)

Gene: PIK3C2A (phosphatidylinositol-4-phosphate 3-kinase catalytic subunit type 2 alpha; minus strand). Cytogenetic location: 11p15.1.
Variant type: Microsatellite.
Coding change: c.1853CTT[1] on transcript NM_002645.4 (MANE Select); one copy of the 3-base unit CTT starting at c.1853; the reference has two copies in a row; one copy, 3 bases deleted.
Protein change: p.Ser619del; deletes serine 619.
Molecular consequence: inframe deletion.
Genome position (GRCh38, 1-based): chr11:17,135,150-17,135,152, AAG deleted on the plus strand (CTT on the coding strand, the reverse complement: PIK3C2A is on the minus strand); deleting any 3 consecutive bases within chr11:17,135,150-17,135,155 gives the same sequence; the position shown is the placement nearest the transcript's 3' end. VCF-style (leftmost placement, unchanged base first): chr11-17135149-AAAG-A. GRCh37 (hg19) VCF-style: chr11-17156696-AAAG-A.
Other names: c.1853CTT[1], p.Ser619del (NM_001321378.2, NM_001386870.1); c.713CTT[1], p.Ser239del (NM_001321380.2); short protein forms S239del, S619del.
Identifiers: ClinVar variation 1911789 (VCV001911789.5), dbSNP rs1386485103, ClinGen allele CA597904087.
Genomic context (GRCh38, chr11:17,135,149, plus strand): 5'-ATTTAAAGATTTAAACACATACCCCTAGTTGAACTCCTGCTAGTGTCTTCTCCTCCAAAC[AAAG>A]AAGTCACCTACACATGCACACACACACACAATAGTCAGAAAACTGCCTATGACATAATAT-3'